The following is an entry in ClinVar:

ClinVar aggregate classification (germline): Uncertain significance. Review status: criteria provided, multiple submitters, no conflicts (2 of 4 stars). 4 submissions from 4 submitters: Uncertain significance (3). 1 of the submissions does not count toward it. Last evaluated 2025-12-15.

Conditions:
Inborn genetic diseases. Identifiers: MedGen C0950123, MeSH D030342.
RYR1-related disorder. Also called: RYR1-related condition; RYR1-related disorders. Identifiers: MedGen CN239331.
Malignant hyperthermia, susceptibility to, 1 (MHS1). Also called: Anesthesia related hyperthermia; Malignant hyperpyrexia; Fulminating hyperpyrexia; Pharmacogenic myopathy; RYR1-Related Malignant Hyperthermia Susceptibility; Malignant hyperthermia suceptibility 1. Identifiers: Orphanet 423, MedGen C2930980, MONDO:0007783, OMIM 145600.

Allele frequency attached by ClinVar (database versions not stated): gnomAD 0.00001; gnomAD exomes 0.00001; ESP Exome Variant Server 0.00008; ExAC 0.00009.
gnomAD v4.1: 17 of 1,566,630 alleles (0.0011%); highest among the groups gnomAD compares: South Asian, 0.017%; no homozygotes.

Submissions (4):

Ambry Genetics
Classification: Uncertain significance for Inborn genetic diseases. Last evaluated: 2025-12-15. Review status: criteria provided, single submitter. Criteria: Ambry Variant Classification Scheme 2023. Collection method: clinical testing. Allele origin: germline.

CeGaT Center for Human Genetics Tuebingen
Classification: Uncertain significance. Last evaluated: 2025-01-01. Review status: criteria provided, single submitter. Criteria: CeGaT Center For Human Genetics Tuebingen Variant Classification Criteria Version 2. Collection method: clinical testing. Allele origin: germline. Affected: yes. Observed: 1 variant allele.
Comment: RYR1: PM2, PP3

Color Diagnostics, LLC DBA Color Health
Classification: Uncertain significance for Malignant hyperthermia, susceptibility to, 1. Last evaluated: 2024-02-18. Review status: criteria provided, single submitter. Criteria: ACMG Guidelines, 2015. Collection method: clinical testing. Allele origin: germline.
Comment: This missense variant replaces serine with leucine at codon 1337 of the RYR1 protein. Computational prediction suggests that this variant may not impact protein structure and function (internally defined REVEL score threshold <= 0.5, PMID: 27666373). To our knowledge, functional studies have not been reported for this variant. This variant has not been reported in individuals affected with RYR1-related disorders in the literature. This variant has been identified in 8/166796 chromosomes in the general population by the Genome Aggregation Database (gnomAD). The available evidence is insufficient to determine the role of this variant in disease conclusively. Therefore, this variant is classified as a Variant of Uncertain Significance.

PreventionGenetics, part of Exact Sciences
Classification: Uncertain significance for RYR1-related condition. Last evaluated: 2024-01-26. Review status: no assertion criteria provided. Collection method: clinical testing. Allele origin: germline. Not counted in ClinVar's aggregate classification.
Comment: The RYR1 c.4010C>T variant is predicted to result in the amino acid substitution p.Ser1337Leu. To our knowledge, this variant has not been reported in the literature. This variant is reported in 0.029% of alleles in individuals of South Asian descent in gnomAD. At this time, the clinical significance of this variant is uncertain due to the absence of conclusive functional and genetic evidence.

NM_000540.3(RYR1):c.4010C>T (p.Ser1337Leu)

Gene: RYR1 (ryanodine receptor 1; plus strand). Cytogenetic location: 19q13.2.
Variant type: single nucleotide variant.
Coding change: c.4010C>T on transcript NM_000540.3 (MANE Select); coding-DNA position 4010, C replaced by T.
Protein change: p.Ser1337Leu; replaces serine 1337 with leucine.
Molecular consequence: missense variant.
Genome position (GRCh38, 1-based): chr19:38,473,621, C>T. VCF-style: chr19-38473621-C-T. GRCh37 (hg19) VCF-style: chr19-38964261-C-T.
Other names: c.4010C>T, p.Ser1337Leu (NM_001042723.2); short protein forms S1337L.
Identifiers: ClinVar variation 3061423 (VCV003061423.16), dbSNP rs376532452, ClinGen allele CA065485.